The following is an entry in ClinVar:

ClinVar aggregate classification (germline): Pathogenic/Likely pathogenic. Review status: criteria provided, multiple submitters, no conflicts (2 of 4 stars). 3 submissions from 3 submitters: Pathogenic (1); Likely pathogenic (2). Last evaluated 2025-10-08.

Conditions:
NF1-related disorder. Also called: NF1-related condition. Identifiers: MedGen CN379171.
Cardiovascular phenotype. Identifiers: MedGen CN230736.
Hereditary cancer-predisposing syndrome. Also called: Neoplastic Syndromes, Hereditary; Tumor predisposition; Hereditary Cancer Syndrome; Hereditary neoplastic syndrome. Identifiers: Orphanet 140162, MedGen C0027672, MeSH D009386, MONDO:0015356.
Neurofibromatosis, type 1 (NF1). Also called: VON RECKLINGHAUSEN DISEASE; Peripheral type neurofibromatosis; NEUROFIBROMATOSIS, TYPE I, SOMATIC; Neurofibromatosis, type I. Identifiers: Orphanet 636, MedGen C0027831, MONDO:0018975, OMIM 162200. Disease mechanism: loss of function.

Submissions (3):

Ambry Genetics
Classification: Likely pathogenic for Cardiovascular phenotype; Hereditary cancer-predisposing syndrome. Last evaluated: 2025-10-08. Review status: criteria provided, single submitter. Criteria: Ambry Variant Classification Scheme 2023. Collection method: clinical testing. Allele origin: germline.
Comment: The c.7258+2T>C intronic variant results from a T to C substitution two nucleotides after coding exon 48 in the NF1 gene. Alterations that disrupt the canonical splice site are expected to result in aberrant splicing. In silico splice site analysis predicts that this alteration will weaken the native splice donor site. A resulting transcript is predicted to be in-frame and is not expected to trigger nonsense-mediated mRNAdecay; although, direct evidence is unavailable. This variant is considered to be rare based on population cohorts in the Genome Aggregation Database (gnomAD). This nucleotide position is highly conserved in available vertebrate species. Based on the majority of available evidence to date, this variant is likely to be pathogenic.

Labcorp Genetics (formerly Invitae), Labcorp
Classification: Pathogenic for Neurofibromatosis, type 1. Last evaluated: 2025-01-27. Review status: criteria provided, single submitter. Criteria: Invitae Variant Classification Sherloc (09022015). Collection method: clinical testing. Allele origin: germline.
Comment: This sequence change affects a donor splice site in intron 48 of the NF1 gene. It is expected to disrupt RNA splicing. Variants that disrupt the donor or acceptor splice site typically lead to a loss of protein function (PMID: 16199547), and loss-of-function variants in NF1 are known to be pathogenic (PMID: 10712197, 23913538). This variant is not present in population databases (gnomAD no frequency). Disruption of this splice site has been observed in individual(s) with neurofibromatosis, type 1 (PMID: 12552569). ClinVar contains an entry for this variant (Variation ID: 835149). Algorithms developed to predict the effect of sequence changes on RNA splicing suggest that this variant may disrupt the consensus splice site. For these reasons, this variant has been classified as Pathogenic.

Blueprint Genetics
Classification: Likely pathogenic for NF1-related disorders. Last evaluated: 2019-10-11. Review status: criteria provided, single submitter. Criteria: ACMG Guidelines, 2015. Collection method: clinical testing. Allele origin: germline. Affected: yes. Observed: 1 variant allele.

Literature cited by the submitters: PubMed 16199547 (cited by Labcorp Genetics (formerly Invitae), Labcorp); PubMed 10712197 (cited by Labcorp Genetics (formerly Invitae), Labcorp); PubMed 23913538 (cited by Labcorp Genetics (formerly Invitae), Labcorp); PubMed 12552569 (cited by Labcorp Genetics (formerly Invitae), Labcorp).

NM_001042492.3(NF1):c.7321+2T>C

Gene: NF1 (neurofibromin 1; plus strand). Cytogenetic location: 17q11.2.
Variant type: single nucleotide variant.
Coding change: c.7321+2T>C on transcript NM_001042492.3 (MANE Select); the canonical splice donor site of the intron after coding-DNA position 7321, T replaced by C.
Molecular consequence: splice donor variant.
Genome position (GRCh38, 1-based): chr17:31,349,253, T>C. VCF-style: chr17-31349253-T-C. GRCh37 (hg19) VCF-style: chr17-29676271-T-C.
Other names: c.7258+2T>C (NM_000267.4).
Identifiers: ClinVar variation 835149 (VCV000835149.9), dbSNP rs2070079311, ClinGen allele CA399016936.